The following is an entry in ClinVar:

NM_000169.3(GLA):c.195-13_195-12delinsGC

Genes: GLA (galactosidase alpha; minus strand), RPL36A-HNRNPH2 (RPL36A-HNRNPH2 readthrough; plus strand). Cytogenetic location: Xq22.1.
Variant type: Indel.
Coding change: c.195-13_195-12delinsGC on transcript NM_000169.3 (MANE Select); 13 bases into the intron before coding-DNA position 195 through 12 bases into the intron before coding-DNA position 195, AT replaced by GC.
Molecular consequence: intron variant.
Genome position (GRCh38, 1-based): chrX:101,403,997-101,403,998, AT replaced by GC on the plus strand (AT replaced by GC on the coding strand, the reverse complement: GLA is on the minus strand). VCF-style: chrX-101403997-AT-GC. GRCh37 (hg19) VCF-style: chrX-100658985-AT-GC.
Other names: c.301-7939_301-7938delinsGC (NM_001199973.2); c.178-7939_178-7938delinsGC (NM_001199974.2); c.318-13_318-12delinsGC (NM_001406747.1, NM_001406749.1); c.195-13_195-12delinsGC (NM_001406748.1).
Identifiers: ClinVar variation 2743220 (VCV002743220.5), dbSNP rs2520915375, ClinGen allele CA2697544669.

ClinVar aggregate classification (germline): Uncertain significance. Review status: criteria provided, multiple submitters, no conflicts (2 of 4 stars). 2 submissions from 2 submitters: Uncertain significance (2). Last evaluated 2026-09-08.

Conditions:
Fabry disease. Also called: Angiokeratoma corporis diffusum; Fabry's disease; ALPHA-GALACTOSIDASE A DEFICIENCY; ANDERSON-FABRY DISEASE; CERAMIDE TRIHEXOSIDASE DEFICIENCY; Ceramide trihexosidosis. Identifiers: Orphanet 324, MedGen C0002986, MONDO:0010526, OMIM 301500, HP:0001071. Disease mechanism: Fabry disease is due to inactivating mutations in the X-linked GLA gene resulting in deficiency of the enzyme Alpha Galactosidase-A., loss of function.

Submissions (2):

Genomenon, Inc
Classification: Uncertain significance for Fabry disease. Last evaluated: 2026-09-08. Review status: criteria provided, single submitter. Criteria: Genomenon Sequence Variant Interpretation Standards - Updated. Collection method: curation. Allele origin: germline. Affected: no.
Comment: GLA c.195-13_195-12delinsGC is a deletion-insertion variant that affects the acceptor splice region of intron 1. This variant has been reported in the published literature (PMID:39336803). It is absent or not present at a significant frequency in gnomAD. In conclusion, we classify GLA c.195-13_195-12delinsGC as a variant of uncertain significance.

Labcorp Genetics (formerly Invitae), Labcorp
Classification: Uncertain significance for Fabry disease. Last evaluated: 2023-07-14. Review status: criteria provided, single submitter. Criteria: Invitae Variant Classification Sherloc (09022015). Collection method: clinical testing. Allele origin: germline.
Comment: Information on the frequency of this variant in the gnomAD database is not available, as this variant may be reported differently in the database. In summary, the available evidence is currently insufficient to determine the role of this variant in disease. Therefore, it has been classified as a Variant of Uncertain Significance. Experimental studies and prediction algorithms are not available or were not evaluated, and the effect of this variant on mRNA splicing is currently unknown. This variant has not been reported in the literature in individuals affected with GLA-related conditions. This sequence change falls in intron 1 of the GLA gene. It does not directly change the encoded amino acid sequence of the GLA protein.

Literature cited by the submitters: PubMed 39336803 (cited by Genomenon, Inc).